The following is an entry in ClinVar:

NM_198904.4(GABRG2):c.432A>T (p.Lys144Asn)

Gene: GABRG2 (gamma-aminobutyric acid type A receptor subunit gamma2; plus strand). Cytogenetic location: 5q34.
Variant type: single nucleotide variant.
Coding change: c.432A>T on transcript NM_198904.4 (MANE Select); coding-DNA position 432, A replaced by T.
Protein change: p.Lys144Asn; replaces lysine 144 with asparagine.
Molecular consequence: missense variant.
Genome position (GRCh38, 1-based): chr5:162,097,742, A>T. VCF-style: chr5-162097742-A-T. GRCh37 (hg19) VCF-style: chr5-161524748-A-T.
Other names: c.432A>T, p.Lys144Asn (NM_000816.3, NM_001375340.1, NM_001375341.1 and 4 more transcripts); c.423A>T, p.Lys141Asn (NM_001375339.1); c.366A>T, p.Lys122Asn (NM_001375345.1, NM_001375346.1); c.345A>T, p.Lys115Asn (NM_001375347.1); c.12A>T, p.Lys4Asn (NM_001375348.1, NM_001375350.1); c.147A>T, p.Lys49Asn (NM_001375349.1); short protein forms K115N, K122N, K141N, K144N, K49N, K4N.
Identifiers: ClinVar variation 2443604 (VCV002443604.4), dbSNP rs1761105874, ClinGen allele CA362184134.

ClinVar aggregate classification (germline): Uncertain significance. Review status: criteria provided, multiple submitters, no conflicts (2 of 4 stars). 2 submissions from 2 submitters: Uncertain significance (2). Last evaluated 2024-12-13.

Conditions:
Febrile seizures, familial, 8 (FEB8). Also called: CONVULSIONS, FAMILIAL FEBRILE, 8. Identifiers: Orphanet 36387, MedGen C1969810, MONDO:0011891, OMIM 607681.
EPILEPSY, CHILDHOOD ABSENCE, SUSCEPTIBILITY TO, 2 (ECA2). Identifiers: Orphanet 64280, MedGen C1843244, OMIM 607681.

Allele frequency attached by ClinVar (database versions not stated): gnomAD exomes below 0.00001.
gnomAD v4.1: 1 of 1,613,854 alleles (0.000062%); highest among the groups gnomAD compares: Admixed American, 0.0017%; no homozygotes.

Submissions (2):

GeneDx
Classification: Uncertain significance. Last evaluated: 2024-12-13. Review status: criteria provided, single submitter. Criteria: GeneDx Variant Classification Process June 2021. Collection method: clinical testing. Allele origin: germline. Affected: yes.
Comment: Not observed at significant frequency in large population cohorts (gnomAD); In silico analysis supports that this missense variant has a deleterious effect on protein structure/function; Has not been previously published as pathogenic or benign to our knowledge

Labcorp Genetics (formerly Invitae), Labcorp
Classification: Uncertain significance for Febrile seizures, familial, 8; EPILEPSY, CHILDHOOD ABSENCE, SUSCEPTIBILITY TO, 2. Last evaluated: 2024-10-10. Review status: criteria provided, single submitter. Criteria: Invitae Variant Classification Sherloc (09022015). Collection method: clinical testing. Allele origin: germline.
Comment: This sequence change replaces lysine, which is basic and polar, with asparagine, which is neutral and polar, at codon 144 of the GABRG2 protein (p.Lys144Asn). This variant is not present in population databases (gnomAD no frequency). This variant has not been reported in the literature in individuals affected with GABRG2-related conditions. ClinVar contains an entry for this variant (Variation ID: 2443604). Invitae Evidence Modeling of protein sequence and biophysical properties (such as structural, functional, and spatial information, amino acid conservation, physicochemical variation, residue mobility, and thermodynamic stability) has been performed for this missense variant. However, the output from this modeling did not meet the statistical confidence thresholds required to predict the impact of this variant on GABRG2 protein function. In summary, the available evidence is currently insufficient to determine the role of this variant in disease. Therefore, it has been classified as a Variant of Uncertain Significance.